The following is an entry in ClinVar:

NM_000488.4(SERPINC1):c.1154-14G>A

Gene: SERPINC1 (serpin family C member 1; minus strand). Cytogenetic location: 1q25.1.
Variant type: single nucleotide variant.
Coding change: c.1154-14G>A on transcript NM_000488.4 (MANE Select); 14 bases into the intron before coding-DNA position 1154, G replaced by A.
Molecular consequence: intron variant.
Genome position (GRCh38, 1-based): chr1:173,907,528, C>T on the plus strand (G>A on the coding strand, the complement: SERPINC1 is on the minus strand). VCF-style: chr1-173907528-C-T. GRCh37 (hg19) VCF-style: chr1-173876666-C-T.
Other names: NM_000488.3(SERPINC1):c.1154-14G>A; c.1235-14G>A (NM_001386303.1); c.938-14G>A (NM_001386306.1); c.1133-14G>A (NM_001386304.1); c.1097-14G>A (NM_001386305.1); c.1277-14G>A (NM_001386302.1); c.1010-14G>A (NM_001365052.2).
Identifiers: ClinVar variation 410384 (VCV000410384.12), dbSNP rs542881762, ClinGen allele CA16609956.

ClinVar aggregate classification (germline): Pathogenic. Review status: reviewed by expert panel (3 of 4 stars). 5 submissions from 5 submitters: Pathogenic (1). 4 of the submissions do not count toward it. Last evaluated 2023-09-21.

Conditions:
Hereditary antithrombin deficiency (AT3D). Also called: Antithrombin deficiency; Antithrombin III deficiency; Thrombophilia due to antithrombin III deficiency; Reduced antithrombin III activity. Identifiers: Orphanet 82, MedGen C0272375, MONDO:0013144, OMIM 613118, HP:0001976.

Allele frequency attached by ClinVar (database versions not stated): TOPMed below 0.00001.
gnomAD v4.1: 1 of 1,611,078 alleles (0.000062%); highest among the groups gnomAD compares: Non-Finnish European, 0.000085%; no homozygotes.

Submissions (5):

Clingen Thrombosis Variant Curation Expert Panel, ClinGen
Classification: Pathogenic for Hereditary antithrombin deficiency. Last evaluated: 2023-09-21. Review status: reviewed by expert panel. Criteria: ClinGen ACMG Specifications SERPINC1 V1.0.0. Collection method: curation. Allele origin: germline. Inheritance: Autosomal dominant inheritance.
Comment: The NM_000488.3(SERPINC1):c.1154-14G>A variant is completely absent from gnomAD v2.1.1 and v3.1, meeting criteria for PM2_supporting. More than 20 probands across publications and internal laboratory data meet AT deficiency phenotype criteria and therefore, PS4_Very Strong is applied. 6 segregations across 4 families are counted in the literature (PMIDs: 7981186, 15164384, 7949130, 32686144), so PP1_Moderate is applied. SpliceAI predicts a cryptic acceptor splice site at -2bp with a score of 0.5. At least 2 publications (PMID: 7949130, PMID: 30046692) show experimental evidence of alternative splicing in patients due to the variant and therefore, PP3 is applied. The splicing aberration results in addition of 12bp of intron 4 into exon 5 of SERPINC1, increasing the protein length by 4 amino acids. This region is noted to be important for the folding and polymerization of the protein. Therefore, PM4 is applied. In summary, this variant meets criteria to be classified as pathogenic. ACMG/AMP criteria applied, as specified by the Thrombosis Variant Curation Expert Panel for SERPINC1: PS4_Very Strong, PM4, PP1_Moderate, PP3, PM2_Supporting.

Institute of Human Genetics, University of Leipzig Medical Center
Classification: Pathogenic for Hereditary antithrombin deficiency. Last evaluated: 2026-07-09. Review status: criteria provided, single submitter. Criteria: ACMG Guidelines, 2015. Collection method: clinical testing. Allele origin: unknown. Inheritance: Autosomal dominant inheritance. Affected: yes. Not counted in ClinVar's aggregate classification.
Comment: Criteria applied: PS4_VSTR,PM4,PP1_MOD,PM2_SUP,PP3

Labcorp Genetics (formerly Invitae), Labcorp
Classification: Pathogenic for Hereditary antithrombin deficiency. Last evaluated: 2025-11-10. Review status: criteria provided, single submitter. Criteria: Invitae Variant Classification Sherloc (09022015). Collection method: clinical testing. Allele origin: germline. Not counted in ClinVar's aggregate classification.
Comment: This sequence change falls in intron 5 of the SERPINC1 gene. It does not directly change the encoded amino acid sequence of the SERPINC1 protein. This variant is not present in population databases (gnomAD no frequency). This variant has been observed in individuals with antithrombin III deficiency (PMID: 7949130, 7981186, 8217824, 15164384, 23358206, 29662868, 30046692). It has also been observed to segregate with disease in related individuals. This variant is also known as 9788G>A. ClinVar contains an entry for this variant (Variation ID: 410384). Studies have shown that this variant alters mRNA splicing and is expected to lead to the loss of protein expression (PMID: 7949130, 7981186). For these reasons, this variant has been classified as Pathogenic.

3billion
Classification: Pathogenic for Hereditary antithrombin deficiency. Last evaluated: 2024-04-03. Review status: criteria provided, single submitter. Criteria: ACMG Guidelines, 2015. Collection method: clinical testing. Allele origin: germline. Affected: yes. Not counted in ClinVar's aggregate classification.
Comment: The variant is observed at an extremely low frequency in the gnomAD v4.0.0 dataset (total allele frequency: <0.001%). Predicted Consequence/Location: Intron variant In silico tools predict the variant to alter splicing and produce an abnormal transcript [SpliceAI: 0.50 (>=0.2, moderate evidence for spliceogenicity)]. The variant has been reported multiple times as an established pathogenic variant (ClinVar ID: VCV000410384 /PMID: 7949130). Therefore, this variant is classified as Pathogenic according to the recommendation of ACMG/AMP guideline.

NIHR Bioresource Rare Diseases, University of Cambridge
Classification: Likely pathogenic for Hereditary antithrombin deficiency. Last evaluated: 2019-02-01. Review status: criteria provided, single submitter. Criteria: ACMG Guidelines, 2015. Collection method: research. Allele origin: unknown. Affected: yes. Observed: 1 heterozygote. Study: ThromboGenomics. Not counted in ClinVar's aggregate classification.

Literature cited by the submitters: PubMed 7949130 (cited by Labcorp Genetics (formerly Invitae), Labcorp and 3billion); PubMed 7981186 (cited by Labcorp Genetics (formerly Invitae), Labcorp); PubMed 8217824 (cited by Labcorp Genetics (formerly Invitae), Labcorp); PubMed 15164384 (cited by Labcorp Genetics (formerly Invitae), Labcorp); PubMed 23358206 (cited by Labcorp Genetics (formerly Invitae), Labcorp); PubMed 29662868 (cited by Labcorp Genetics (formerly Invitae), Labcorp); PubMed 30046692 (cited by Labcorp Genetics (formerly Invitae), Labcorp); PubMed 31064749 (cited by NIHR Bioresource Rare Diseases, University of Cambridge).